The following is an entry in ClinVar:

NM_012082.4(ZFPM2):c.2537C>T (p.Ser846Phe)

Genes: ZFPM2 (zinc finger protein, FOG family member 2; plus strand), ZFPM2-AS1 (ZFPM2 antisense RNA 1; minus strand), LOC126860469 (BRD4-independent group 4 enhancer GRCh37_chr8:106814445-106815644; plus strand). Cytogenetic location: 8q23.1.
Variant type: single nucleotide variant.
Coding change: c.2537C>T on transcript NM_012082.4 (MANE Select); coding-DNA position 2537, C replaced by T.
Protein change: p.Ser846Phe; replaces serine 846 with phenylalanine.
Molecular consequence: missense variant.
Genome position (GRCh38, 1-based): chr8:105,802,619, C>T. VCF-style: chr8-105802619-C-T. GRCh37 (hg19) VCF-style: chr8-106814847-C-T.
Other names: c.2378C>T, p.Ser793Phe (NM_001362836.2); c.2141C>T, p.Ser714Phe (NM_001362837.2); short protein forms S714F, S793F, S846F.
Identifiers: ClinVar variation 1197328 (VCV001197328.2), dbSNP rs1402769359, ClinGen allele CA371954374.

ClinVar aggregate classification (germline): Uncertain significance (1 of 4 stars; one submission).

Allele frequency attached by ClinVar (database versions not stated): gnomAD exomes below 0.00001; gnomAD 0.00001.
gnomAD v4.1: 2 of 1,610,678 alleles (0.00012%); highest among the groups gnomAD compares: Admixed American, 0.0034%; no homozygotes.

Submission:

GeneDx
Classification: Uncertain significance. Last evaluated: 2019-06-03. Review status: criteria provided, single submitter. Criteria: GeneDx Variant Classification Process June 2021. Collection method: clinical testing. Allele origin: germline. Affected: yes.
Comment: Not observed at a significant frequency in large population cohorts (Lek et al., 2016); In silico analysis, which includes protein predictors and evolutionary conservation, supports a deleterious effect; Has not been previously published as pathogenic or benign to our knowledge